The following is an entry in ClinVar:

ClinVar aggregate classification (germline): Conflicting classifications of pathogenicity. Review status: criteria provided, conflicting classifications (1 of 4 stars). 3 submissions from 3 submitters: Uncertain significance (2); Likely benign (1). Last evaluated 2025-04-11.

Conditions:
Arrhythmogenic right ventricular dysplasia 9 (ARVD9). Also called: Arrhythmogenic Right Ventricular Dysplasia/Cardiomyopathy 9; ARRHYTHMOGENIC RIGHT VENTRICULAR DYSPLASIA, FAMILIAL, 9. Identifiers: MedGen C1836906, MONDO:0012180, OMIM 609040.
Cardiovascular phenotype. Identifiers: MedGen CN230736.
Cardiomyopathy (CMYO). Also called: Cardiomyopathies. Identifiers: Orphanet 167848, MedGen C0878544, MONDO:0004994, HP:0001638. Inheritance: Various modes of inheritance.

Allele frequency attached by ClinVar (database versions not stated): gnomAD 0.00001; gnomAD exomes 0.00005; ExAC 0.00006; 1000 Genomes Project 30x 0.00016; 1000 Genomes Project 0.00020.
gnomAD v4.1: 24 of 1,614,050 alleles (0.0015%); highest among the groups gnomAD compares: South Asian, 0.026%; no homozygotes.

Submissions (3):

Labcorp Genetics (formerly Invitae), Labcorp
Classification: Uncertain significance for Arrhythmogenic right ventricular dysplasia 9. Last evaluated: 2025-04-11. Review status: criteria provided, single submitter. Criteria: Invitae Variant Classification Sherloc (09022015). Collection method: clinical testing. Allele origin: germline.
Comment: This sequence change replaces threonine, which is neutral and polar, with lysine, which is basic and polar, at codon 300 of the PKP2 protein (p.Thr300Lys). This variant is present in population databases (rs553098424, gnomAD 0.04%). This variant has not been reported in the literature in individuals affected with PKP2-related conditions. ClinVar contains an entry for this variant (Variation ID: 919456). An algorithm developed to predict the effect of missense changes on protein structure and function (PolyPhen-2) suggests that this variant is likely to be tolerated. In summary, the available evidence is currently insufficient to determine the role of this variant in disease. Therefore, it has been classified as a Variant of Uncertain Significance.

Ambry Genetics
Classification: Uncertain significance for Cardiovascular phenotype. Last evaluated: 2023-10-15. Review status: criteria provided, single submitter. Criteria: Ambry Variant Classification Scheme 2023. Collection method: clinical testing. Allele origin: germline.
Comment: The p.T300K variant (also known as c.899C>A), located in coding exon 3 of the PKP2 gene, results from a C to A substitution at nucleotide position 899. The threonine at codon 300 is replaced by lysine, an amino acid with similar properties. This amino acid position is conserved. In addition, this alteration is predicted to be tolerated by in silico analysis. Since supporting evidence is limited at this time, the clinical significance of this alteration remains unclear.

Color Diagnostics, LLC DBA Color Health
Classification: Likely benign for Cardiomyopathy. Last evaluated: 2019-11-26. Review status: criteria provided, single submitter. Criteria: ACMG Guidelines, 2015. Collection method: clinical testing. Allele origin: germline.

NM_001005242.3(PKP2):c.899C>A (p.Thr300Lys)

Gene: PKP2 (plakophilin 2; minus strand). Cytogenetic location: 12p11.21.
Variant type: single nucleotide variant.
Coding change: c.899C>A on transcript NM_001005242.3 (MANE Select); coding-DNA position 899, C replaced by A.
Protein change: p.Thr300Lys; replaces threonine 300 with lysine.
Molecular consequence: missense variant.
Genome position (GRCh38, 1-based): chr12:32,877,981, G>T on the plus strand (C>A on the coding strand, the complement: PKP2 is on the minus strand). VCF-style: chr12-32877981-G-T. GRCh37 (hg19) VCF-style: chr12-33030915-G-T.
Other names: c.899C>A, p.Thr300Lys (NM_004572.4); short protein forms T300K.
Identifiers: ClinVar variation 919456 (VCV000919456.6), dbSNP rs553098424, ClinGen allele CA039324.